The following is an entry in ClinVar:

NM_020937.4(FANCM):c.1031A>T (p.Asn344Ile)

Gene: FANCM (FA complementation group M; plus strand). Cytogenetic location: 14q21.2.
Variant type: single nucleotide variant.
Coding change: c.1031A>T on transcript NM_020937.4 (MANE Select); coding-DNA position 1031, A replaced by T.
Protein change: p.Asn344Ile; replaces asparagine 344 with isoleucine.
Molecular consequence: missense variant.
Genome position (GRCh38, 1-based): chr14:45,151,509, A>T. VCF-style: chr14-45151509-A-T. GRCh37 (hg19) VCF-style: chr14-45620712-A-T.
Other names: c.953A>T, p.Asn318Ile (NM_001308133.2); c.1031A>T, p.Asn344Ile (NM_001308134.2); short protein forms N318I, N344I.
Identifiers: ClinVar variation 1803565 (VCV001803565.1), dbSNP rs754308697, ClinGen allele CA7168907.
Genomic context (GRCh38, chr14:45,151,509, plus strand): 5'-GGGATATCCCAAATCTAACAAAATATCAGATAATTCTGGCAAGAGATCAGTTTAGGAAAA[A>T]CCCATCTCCGAATATTGTGGTAGGTATTTTTAAATAAATTTTGATGACAGATTAAATTTT-3'
Protein context (NP_065988.1, residues 334-354): IILARDQFRK[Asn344Ile]PSPNIVGIQQ

ClinVar aggregate classification (germline): Uncertain significance (1 of 4 stars; one submission).

Allele frequency attached by ClinVar (database versions not stated): ExAC 0.00001.
gnomAD v4.1: 1 of 1,612,782 alleles (0.000062%); highest among the groups gnomAD compares: Non-Finnish European, 0.000085%; no homozygotes.

Submission:

GeneDx
Classification: Uncertain significance. Last evaluated: 2022-06-09. Review status: criteria provided, single submitter. Criteria: GeneDx Variant Classification Process June 2021. Collection method: clinical testing. Allele origin: germline. Affected: yes.
Comment: Not observed at significant frequency in large population cohorts (gnomAD); In silico analysis supports that this missense variant has a deleterious effect on protein structure/function; Has not been previously published as pathogenic or benign to our knowledge